The following is an entry in ClinVar:

ClinVar aggregate classification (germline): Pathogenic (1 of 4 stars; one submission).

Conditions:
Inherited breast cancer and ovarian cancer.

Submission:

Genetics Laboratory, Great Ormond Street Hospital NHS Foundation Trust, North Thames Genomic Laboratory Hub
Classification: Pathogenic for Inherited breast cancer and ovarian cancer. Last evaluated: 2025-08-26. Review status: criteria provided, single submitter. Criteria: CanVIG PALB2 Gene Specific V1.2. Collection method: clinical testing. Allele origin: germline. Affected: yes.
Comment: PM2_supporting, PVS1_very-strong, PM5_supporting

NM_024675.4(PALB2):c.1458del (p.Val487fs)

Gene: PALB2 (partner and localizer of BRCA2; minus strand). Cytogenetic location: 16p12.2.
Variant type: Deletion.
Coding change: c.1458del on transcript NM_024675.4 (MANE Select); coding-DNA position 1458, one base deleted (A; older notation c.1458delA).
Protein change: p.Val487fs; shifts the reading frame from valine 487.
Molecular consequence: frameshift variant. On other transcripts: intron variant (3).
Genome position (GRCh38, 1-based): chr16:23,635,088, T deleted on the plus strand (A on the coding strand, the reverse complement: PALB2 is on the minus strand); the first of 3 consecutive T bases (chr16:23,635,088-23,635,090); deleting any one gives the same sequence. VCF-style (leftmost placement, unchanged base first): chr16-23635087-CT-C. GRCh37 (hg19) VCF-style: chr16-23646408-CT-C.
Other names: c.1398del, p.Val467fs (NM_001407296.1); c.1458del, p.Val487fs (NM_001407297.1, NM_001407298.1, NM_001407299.1 and 3 more transcripts); c.573del, p.Val192fs (NM_001407304.1, NM_001407305.1, NM_001407306.1 and 5 more transcripts); c.49-5813del (NM_001407314.1); c.-104-4619del (NM_001407313.1, NM_001407312.1); short protein forms V467fs, V192fs, V487fs.
Identifiers: ClinVar variation 4294333 (VCV004294333.1).